The following is an entry in ClinVar:

ClinVar aggregate classification (germline): Likely pathogenic (1 of 4 stars; one submission).

Allele frequency attached by ClinVar (database versions not stated): gnomAD exomes 0.00001.
gnomAD v4.1: 6 of 1,613,130 alleles (0.00037%); highest among the groups gnomAD compares: Non-Finnish European, 0.00051%; no homozygotes.

Submission:

Mayo Clinic Laboratories, Mayo Clinic
Classification: Likely pathogenic. Last evaluated: 2023-05-23. Review status: criteria provided, single submitter. Criteria: ACMG Guidelines, 2015. Collection method: clinical testing. Allele origin: germline. Observed: 1 variant allele.
Comment: PM2, PVS1

NM_003126.4(SPTA1):c.1921C>T (p.Gln641Ter)

Gene: SPTA1 (spectrin alpha, erythrocytic 1; minus strand). Cytogenetic location: 1q23.1.
Variant type: single nucleotide variant.
Coding change: c.1921C>T on transcript NM_003126.4 (MANE Select); coding-DNA position 1921, C replaced by T.
Protein change: p.Gln641Ter; replaces glutamine 641 with a stop codon.
Molecular consequence: nonsense.
Genome position (GRCh38, 1-based): chr1:158,667,975, G>A on the plus strand (C>T on the coding strand, the complement: SPTA1 is on the minus strand). VCF-style: chr1-158667975-G-A. GRCh37 (hg19) VCF-style: chr1-158637765-G-A.
Other names: p.Gln641*; short protein forms Q641*.
Identifiers: ClinVar variation 2683217 (VCV002683217.1), dbSNP rs1653728836, ClinGen allele CA343006728.